The following is an entry in ClinVar:

ClinVar aggregate classification (germline): Uncertain significance (1 of 4 stars; one submission).

Allele frequency attached by ClinVar (database versions not stated): gnomAD exomes below 0.00001; ExAC 0.00001.
gnomAD v4.1: 2 of 1,614,168 alleles (0.00012%); highest among the groups gnomAD compares: East Asian, 0.0022%; no homozygotes.

Submission:

Ambry Genetics
Classification: Uncertain significance. Last evaluated: 2023-02-05. Review status: criteria provided, single submitter. Criteria: Ambry Variant Classification Scheme 2023. Collection method: clinical testing. Allele origin: germline.
Comment: The p.T169I variant (also known as c.506C>T), located in coding exon 7 of the RAD54L gene, results from a C to T substitution at nucleotide position 506. The threonine at codon 169 is replaced by isoleucine, an amino acid with similar properties. This amino acid position is conserved. In addition, the in silico prediction for this alteration is inconclusive. Since supporting evidence is limited at this time, the clinical significance of this alteration remains unclear.

NM_003579.4(RAD54L):c.506C>T (p.Thr169Ile)

Gene: RAD54L (RAD54 like; plus strand). Cytogenetic location: 1p34.1.
Variant type: single nucleotide variant.
Coding change: c.506C>T on transcript NM_003579.4 (MANE Select); coding-DNA position 506, C replaced by T.
Protein change: p.Thr169Ile; replaces threonine 169 with isoleucine.
Molecular consequence: missense variant. On other transcripts: 5 prime UTR variant (1).
Genome position (GRCh38, 1-based): chr1:46,260,755, C>T. VCF-style: chr1-46260755-C-T. GRCh37 (hg19) VCF-style: chr1-46726427-C-T.
Other names: c.506C>T, p.Thr169Ile (NM_001142548.2); c.-35C>T (NM_001370766.1); short protein forms T169I.
Identifiers: ClinVar variation 2496812 (VCV002496812.2), dbSNP rs779199093, ClinGen allele CA834284.